The following is an entry in ClinVar:

NM_000532.5(PCCB):c.175C>T (p.His59Tyr)

Gene: PCCB (propionyl-CoA carboxylase subunit beta; plus strand). Cytogenetic location: 3q22.3.
Variant type: single nucleotide variant.
Coding change: c.175C>T on transcript NM_000532.5 (MANE Select); coding-DNA position 175, C replaced by T.
Protein change: p.His59Tyr; replaces histidine 59 with tyrosine.
Molecular consequence: missense variant.
Genome position (GRCh38, 1-based): chr3:136,250,550, C>T. VCF-style: chr3-136250550-C-T. GRCh37 (hg19) VCF-style: chr3-135969392-C-T.
Other names: c.175C>T, p.His59Tyr (NM_001178014.2); short protein forms H59Y.
Identifiers: ClinVar variation 2074441 (VCV002074441.2), dbSNP rs147954363, ClinGen allele CA2631597.

ClinVar aggregate classification (germline): Uncertain significance. Review status: criteria provided, multiple submitters, no conflicts (2 of 4 stars). 2 submissions from 2 submitters: Uncertain significance (2). Last evaluated 2024-07-05.

Conditions:
Propionic acidemia (PROP). Also called: GLYCINEMIA, KETOTIC; HYPERGLYCINEMIA WITH KETOACIDOSIS AND LEUKOPENIA; KETOTIC HYPERGLYCINEMIA. Identifiers: Orphanet 35, MedGen C0268579, MONDO:0011628, OMIM 606054, HP:0003571.

Allele frequency attached by ClinVar (database versions not stated): TOPMed 0.00003; ESP Exome Variant Server 0.00008; gnomAD 0.00015; ExAC 0.00033.
gnomAD v4.1: 164 of 1,611,950 alleles (0.01%); highest among the groups gnomAD compares: Non-Finnish European, 0.0039%; 2 homozygotes.

Submissions (2):

Blueprint Genetics
Classification: Uncertain significance. Last evaluated: 2024-07-05. Review status: criteria provided, single submitter. Criteria: ACMG Guidelines, 2015. Collection method: clinical testing. Allele origin: germline.

Labcorp Genetics (formerly Invitae), Labcorp
Classification: Uncertain significance for Propionic acidemia. Last evaluated: 2021-11-05. Review status: criteria provided, single submitter. Criteria: Invitae Variant Classification Sherloc (09022015). Collection method: clinical testing. Allele origin: germline.
Comment: This sequence change replaces histidine, which is basic and polar, with tyrosine, which is neutral and polar, at codon 59 of the PCCB protein (p.His59Tyr). This variant is present in population databases (rs147954363, gnomAD 0.2%). This variant has not been reported in the literature in individuals affected with PCCB-related conditions. Advanced modeling of protein sequence and biophysical properties (such as structural, functional, and spatial information, amino acid conservation, physicochemical variation, residue mobility, and thermodynamic stability) performed at Invitae indicates that this missense variant is expected to disrupt PCCB protein function. In summary, the available evidence is currently insufficient to determine the role of this variant in disease. Therefore, it has been classified as a Variant of Uncertain Significance.